The following is an entry in ClinVar:

ClinVar aggregate classification (germline): Benign/Likely benign. Review status: criteria provided, multiple submitters, no conflicts (2 of 4 stars). 11 submissions from 11 submitters: Benign (7); Likely benign (2). 2 of the submissions do not count toward it. Last evaluated 2026-01-26.

Conditions:
Cardiovascular phenotype. Identifiers: MedGen CN230736.
Hypertrophic cardiomyopathy. Also called: HYPERTROPHIC MYOCARDIOPATHY. Identifiers: Orphanet 217569, MedGen C0007194, MeSH D002312, MONDO:0005045, HP:0001639.
Cardiomyopathy (CMYO). Also called: Cardiomyopathies. Identifiers: Orphanet 167848, MedGen C0878544, MONDO:0004994, HP:0001638. Inheritance: Various modes of inheritance.
Hypertrophic cardiomyopathy 19. Also called: Familial hypertrophic cardiomyopathy 19. Identifiers: MedGen CN077603, MONDO:0013476.

Allele frequency attached by ClinVar (database versions not stated): gnomAD exomes 0.00049 and 0.00140; ExAC 0.00168; gnomAD 0.00443 and 0.00473; TOPMed 0.00513; ESP Exome Variant Server 0.00515; 1000 Genomes Project 0.00539; 1000 Genomes Project 30x 0.00562.
gnomAD v4.1: 1,411 of 1,614,222 alleles (0.087%); highest among the groups gnomAD compares: African/African-American, 1.5%; 10 homozygotes.

Submissions (11):

Labcorp Genetics (formerly Invitae), Labcorp
Classification: Benign for Hypertrophic cardiomyopathy 19. Last evaluated: 2026-01-26. Review status: criteria provided, single submitter. Criteria: Invitae Variant Classification Sherloc (09022015). Collection method: clinical testing. Allele origin: germline.

Center for Advanced Laboratory Medicine, UC San Diego Health, University of California San Diego
Classification: Benign for Hypertrophic cardiomyopathy; Cardiomyopathy. Last evaluated: 2019-06-03. Review status: criteria provided, single submitter. Criteria: ACMG Guidelines, 2015. Collection method: clinical testing. Allele origin: germline. Affected: yes. Observed: 2 variant alleles.

Women's Health and Genetics/Laboratory Corporation of America, LabCorp
Classification: Benign. Last evaluated: 2017-08-17. Review status: criteria provided, single submitter. Criteria: LabCorp Variant Classification Summary - May 2015. Collection method: clinical testing. Allele origin: germline.
Comment: Variant summary: The CALR3 c.850G>A (p.Asp284Asn) variant involves the alteration of a non-conserved nucleotide. 4/4 in silico tools predict benign outcome for this variant (SNPsandGO not captured due to low reliability index). This variant was found in 204/121410 control chromosomes (4 homozygotes) from ExAC, predominantly observed in the African subpopulation at a frequency of 0.017782 (185/10404). This frequency is about 711 times the estimated maximal expected allele frequency of a pathogenic CALR3 variant (0.000025), suggesting this is likely a benign polymorphism found primarily in the populations of African origin. In addition, multiple clinical diagnostic laboratories/reputable databases in ClinVar have classified this variant as benign. To our knowledge, this variant has not been reported in affected individuals in literature. Taken together, this variant is classified as benign.

Center for Pediatric Genomic Medicine, Children's Mercy Hospital and Clinics
Classification: Benign. Last evaluated: 2017-02-07. Review status: criteria provided, single submitter. Criteria: ACMG Guidelines, 2015. Collection method: clinical testing. Allele origin: germline.

Genome Diagnostics Laboratory, University Medical Center Utrecht
Classification: Benign for Hypertrophic cardiomyopathy 1. Last evaluated: 2016-10-04. Review status: criteria provided, single submitter. Criteria: ACGS Guidelines, 2013. Collection method: clinical testing. Allele origin: germline. Affected: yes. Study: VKGL Data-share Consensus.

Clinical Genetics DNA and cytogenetics Diagnostics Lab, Erasmus MC, Erasmus Medical Center
Classification: Benign for Hypertrophic cardiomyopathy 1. Last evaluated: 2015-09-21. Review status: criteria provided, single submitter. Criteria: ACGS Guidelines, 2013. Collection method: clinical testing. Allele origin: germline. Affected: yes. Study: VKGL Data-share Consensus.

Biesecker Lab/Clinical Genomics Section, National Institutes of Health
Classification: Benign. Last evaluated: 2013-06-24. Review status: criteria provided, single submitter. Criteria: Ng et al. (Circ Cardiovasc Genet. 2013). Collection method: research. Allele origin: unknown. Observed: 2 variant alleles. Study: ClinSeq.
Comment: The study set was not selected for affection status in relation to any cancer. Pathogenicity categories were based on literature curation. See Pubmed ID:23861362 for details.

Medical sequencing

Ambry Genetics
Classification: Likely benign for Cardiovascular phenotype. Last evaluated: 2012-12-05. Review status: criteria provided, single submitter. Criteria: Ambry Autosomal Dominant and X-Linked criteria (10/2015). Collection method: clinical testing. Allele origin: germline. Observed: 1 variant allele.

Breakthrough Genomics
Classification: Likely benign. Review status: criteria provided, single submitter. Criteria: ACMG Guidelines, 2015. Collection method: not provided. Allele origin: germline. Inheritance: Unknown mechanism. Affected: yes.

Clinical Genetics, Academic Medical Center
Classification: Benign. Review status: no assertion criteria provided. Collection method: clinical testing. Allele origin: germline. Affected: yes. Study: VKGL Data-share Consensus. Not counted in ClinVar's aggregate classification.

Laboratory of Diagnostic Genome Analysis, Leiden University Medical Center (LUMC)
Classification: Likely benign. Review status: no assertion criteria provided. Collection method: clinical testing. Allele origin: germline. Affected: yes. Study: VKGL Data-share Consensus. Not counted in ClinVar's aggregate classification.

NM_145046.5(CALR3):c.850G>A (p.Asp284Asn)

Gene: CALR3 (calreticulin 3; minus strand). Cytogenetic location: 19p13.11.
Variant type: single nucleotide variant.
Coding change: c.850G>A on transcript NM_145046.5 (MANE Select); coding-DNA position 850, G replaced by A.
Protein change: p.Asp284Asn; replaces aspartic acid 284 with asparagine.
Molecular consequence: missense variant.
Genome position (GRCh38, 1-based): chr19:16,482,518, C>T on the plus strand (G>A on the coding strand, the complement: CALR3 is on the minus strand). VCF-style: chr19-16482518-C-T. GRCh37 (hg19) VCF-style: chr19-16593329-C-T.
Other names: short protein forms D284N.
Identifiers: ClinVar variation 192182 (VCV000192182.21), dbSNP rs10404156, ClinGen allele CA199990.